The following is an entry in ClinVar:

ClinVar aggregate classification (germline): Likely benign. Review status: criteria provided, multiple submitters, no conflicts (2 of 4 stars). 2 submissions from 2 submitters: Likely benign (2). Last evaluated 2025-07-07.

Conditions:
DICER1-related tumor predisposition. Also called: DICER1 syndrome; DICER1-related pleuropulmonary blastoma cancer predisposition syndrome. Identifiers: Orphanet 284343, MedGen C3839822, MONDO:0100216.
Hereditary cancer-predisposing syndrome. Also called: Tumor predisposition; Neoplastic Syndromes, Hereditary; Hereditary Cancer Syndrome; Hereditary neoplastic syndrome. Identifiers: Orphanet 140162, MedGen C0027672, MeSH D009386, MONDO:0015356.

Allele frequency attached by ClinVar (database versions not stated): gnomAD 0.00001; TOPMed 0.00001.
gnomAD v4.1: 1 of 1,613,542 alleles (0.000062%); highest among the groups gnomAD compares: Admixed American, 0.0017%; no homozygotes.

Submissions (2):

Labcorp Genetics (formerly Invitae), Labcorp
Classification: Likely benign for DICER1-related tumor predisposition. Last evaluated: 2025-07-07. Review status: criteria provided, single submitter. Criteria: Invitae Variant Classification Sherloc (09022015). Collection method: clinical testing. Allele origin: germline.

Hereditary Cancer Group, L’Institut d'Investigació Biomèdica de Bellvitge
Classification: Likely benign for Hereditary cancer-predisposing syndrome. Last evaluated: 2024-12-19. Review status: criteria provided, single submitter. Criteria: Hatton et al. (Hum Mutat. 2023). Collection method: clinical testing. Allele origin: germline. Inheritance: Autosomal dominant inheritance. Affected: yes.
Comment: BP4, BP7

NM_177438.3(DICER1):c.145-6T>C

Gene: DICER1 (dicer 1, ribonuclease III; minus strand). Cytogenetic location: 14q32.13.
Variant type: single nucleotide variant.
Coding change: c.145-6T>C on transcript NM_177438.3 (MANE Select); 6 bases into the intron before coding-DNA position 145, T replaced by C.
Molecular consequence: intron variant.
Genome position (GRCh38, 1-based): chr14:95,132,683, A>G on the plus strand (T>C on the coding strand, the complement: DICER1 is on the minus strand). VCF-style: chr14-95132683-A-G. GRCh37 (hg19) VCF-style: chr14-95599020-A-G.
Other names: c.145-6T>C (NM_001291628.2, NM_030621.4, NM_001271282.3 and 1 more transcripts).
Identifiers: ClinVar variation 1092015 (VCV001092015.11), dbSNP rs1894057532, ClinGen allele CA2156320393.